The following is an entry in ClinVar:

NM_000092.5(COL4A4):c.1598G>A (p.Gly533Asp)

Gene: COL4A4 (collagen type IV alpha 4 chain; minus strand). Cytogenetic location: 2q36.3.
Variant type: single nucleotide variant.
Coding change: c.1598G>A on transcript NM_000092.5 (MANE Select); coding-DNA position 1598, G replaced by A.
Protein change: p.Gly533Asp; replaces glycine 533 with aspartic acid.
Molecular consequence: missense variant.
Genome position (GRCh38, 1-based): chr2:227,088,678, C>T on the plus strand (G>A on the coding strand, the complement: COL4A4 is on the minus strand). VCF-style: chr2-227088678-C-T. GRCh37 (hg19) VCF-style: chr2-227953394-C-T.
Other names: p.(Gly533Asp); short protein forms G533D.
Identifiers: ClinVar variation 556434 (VCV000556434.7), dbSNP rs1553669704, ClinGen allele CA350849686.
Genomic context (GRCh38, chr2:227,088,678, plus strand): 5'-TTTAACTGGAAAGATGACTGGTAAGAGGTACTCACTGGTAGCCCTGGAGGTCCTTCAGCA[C>T]CAGGAGGTCCTGGGTCACCTTTTGTTCCAAGCCAGCCAGGGAGCCCCAAGTCTCCCTTAC-3'
Protein context (NP_000083.3, residues 523-543): LGTKGDPGPP[Gly533Asp]AEGPPGLPGK

ClinVar aggregate classification (germline): Pathogenic/Likely pathogenic. Review status: criteria provided, multiple submitters, no conflicts (2 of 4 stars). 6 submissions from 6 submitters: Pathogenic (3); Likely pathogenic (2). 1 of the submissions does not count toward it. Last evaluated 2026-04-30.

Conditions:
COL4A4-related disorder.
Hematuria. Identifiers: MedGen C0018965, HP:0000790.
Hematuria, benign familial, 1 (BFH1). Also called: THIN MEMBRANE NEPHROPATHY. Identifiers: MedGen CN376803, MONDO:0007709, OMIM 141200.
Autosomal recessive Alport syndrome (ATS2). Also called: COL4A4 Alport Syndrome and Thin Basement Membrane Nephropathy; ALPORT SYNDROME 2, AUTOSOMAL RECESSIVE; COL4A3-Related Nephropathy; Alport syndrome type 2. Identifiers: Orphanet 63, Orphanet 88919, MedGen C4746745, MONDO:0008762, OMIM 203780.
Alport syndrome. Also called: Hemorrhagic familial nephritis; Hemorrhagic hereditary nephritis; Congenital hereditary hematuria. Identifiers: Orphanet 63, MedGen C1567741, MONDO:0018965.

Allele frequency attached by ClinVar (database versions not stated): gnomAD exomes 0.00001.
gnomAD v4.1: 5 of 1,614,104 alleles (0.00031%); highest among the groups gnomAD compares: Non-Finnish European, 0.00034%; no homozygotes.

Submissions (6):

Centre de Génétique Humaine, Institut de Pathologie Et de Génétique
Classification: Likely pathogenic for Autosomal recessive Alport syndrome. Last evaluated: 2026-04-30. Review status: criteria provided, single submitter. Criteria: ACMG Guidelines, 2015. Collection method: clinical testing. Allele origin: germline, maternal. Inheritance: Autosomal recessive inheritance. Affected: yes. Observed: 2 variant alleles, 1 compound heterozygote, 1 homozygote. Segregation with disease observed.
Comment: This missense variant involves a highly conserved glycine located in a ‘Gly-X-Y’ motif in collagenous region, which is characteristic of the pathogenic variants identified in the COL4A4 gene (PM1,PP2). This variant is rare: allelic frequency of 0.00031% in gnomAD v4.1.0 database (PM2). In silico analysis supports that this missense variant has a deleterious effect (PP3). Several descriptions as homozgous or compound heterozygous in patients with AR AS (PP5 ++)

Myriad Genetics, Inc.
Classification: Pathogenic for Alport syndrome. Last evaluated: 2026-02-23. Review status: criteria provided, single submitter. Criteria: Myriad Autosomal Dominant, Autosomal Recessive and X-Linked Classification Criteria (2023). Collection method: clinical testing. Allele origin: unknown.
Comment: NM_000092.4(COL4A4):c.1598G>A(G533D) is a missense variant classified as pathogenic in the context of Alport syndrome, COL4A4-related. G533D has been observed in cases with relevant disease (PMID: 36844206, 24052634). Relevant functional assessments of this variant are not available in the literature. Internal structural analysis of the variant is supportive of pathogenicity. G533D has not been observed in referenced population frequency databases. In summary, NM_000092.4(COL4A4):c.1598G>A(G533D) is a missense variant that has internal structural support for pathogenicity and has been observed more frequently in cases with the relevant disease than in healthy populations. Please note: this variant was assessed in the context of healthy population screening.

Genetics Laboratory, Great Ormond Street Hospital NHS Foundation Trust, North Thames Genomic Laboratory Hub
Classification: Likely pathogenic for Haematuria. Last evaluated: 2025-09-03. Review status: criteria provided, single submitter. Criteria: ACGS Best Practice Guidelines for Variant Classification in Rare Disease 2024 v1.2. Collection method: clinical testing. Allele origin: germline. Affected: yes.
Comment: PM2_moderate, PP3_supporting, PM1_strong, PM3_moderate

Fulgent Genetics
Classification: Pathogenic for Hematuria, benign familial, 1; Autosomal recessive Alport syndrome. Last evaluated: 2024-05-21. Review status: criteria provided, single submitter. Criteria: ACMG Guidelines, 2015. Collection method: clinical testing. Allele origin: germline.

Blueprint Genetics
Classification: Pathogenic for COL4A4-related disorders. Last evaluated: 2024-02-13. Review status: criteria provided, single submitter. Criteria: ACMG Guidelines, 2015. Collection method: clinical testing. Allele origin: germline. Affected: yes. Observed: 2 variant alleles.

Counsyl
Classification: Pathogenic for Autosomal recessive Alport syndrome. Last evaluated: 2018-01-31. Review status: no assertion criteria provided. Collection method: clinical testing. Allele origin: unknown. Not counted in ClinVar's aggregate classification.

Literature cited by the submitters: PubMed 24052634 (cited by 3 submitters); PubMed 28780565 (cited by Centre de Génétique Humaine, Institut de Pathologie Et de Génétique); PubMed 36844206 (cited by Centre de Génétique Humaine, Institut de Pathologie Et de Génétique and Myriad Genetics, Inc.); PubMed 39202375 (cited by Centre de Génétique Humaine, Institut de Pathologie Et de Génétique); PubMed 40868214 (cited by Centre de Génétique Humaine, Institut de Pathologie Et de Génétique).